The following is an entry in ClinVar:

ClinVar aggregate classification (germline): Uncertain significance. Review status: criteria provided, multiple submitters, no conflicts (2 of 4 stars). 4 submissions from 4 submitters: Uncertain significance (4). Last evaluated 2026-08-02.

Conditions:
Inborn genetic diseases. Identifiers: MedGen C0950123, MeSH D030342.
Amelogenesis imperfecta hypomaturation type 2A2. Also called: AMELOGENESIS IMPERFECTA, PIGMENTED HYPOMATURATION TYPE, 2; Amelogenesis imperfecta, hypomaturation type, IIA2; Amelogenesis imperfecta, type IIA2. Identifiers: Orphanet 88661, MedGen C2675858, MONDO:0012926, OMIM 612529. Disease mechanism: loss of function.
MMP20-related disorder. Also called: MMP20-related condition.

Allele frequency attached by ClinVar (database versions not stated): 1000 Genomes Project 30x 0.00016; TOPMed 0.00025.
gnomAD v4.1: 379 of 1,614,110 alleles (0.023%); highest among the groups gnomAD compares: Admixed American, 0.027%; no homozygotes.

Submissions (4):

PreventionGenetics, part of Exact Sciences
Classification: Uncertain significance for MMP20-related condition. Last evaluated: 2026-08-02. Review status: criteria provided, single submitter. Criteria: ACMG Guidelines, 2015. Collection method: clinical testing. Allele origin: germline.
Comment: The MMP20 c.883C>G variant is predicted to result in the amino acid substitution p.Leu295Val. To our knowledge, this variant has not been reported in the literature. This variant is reported in 0.71% of alleles in individuals of Ashkenazi Jewish descent in gnomAD. Although we suspect that this variant may be benign, at this time, the clinical significance of this variant is uncertain due to the absence of conclusive functional and genetic evidence.

Ambry Genetics
Classification: Uncertain significance for Inborn genetic diseases. Last evaluated: 2023-03-01. Review status: criteria provided, single submitter. Criteria: Ambry Variant Classification Scheme 2023. Collection method: clinical testing. Allele origin: germline.

Illumina Laboratory Services, Illumina
Classification: Uncertain significance for Amelogenesis imperfecta hypomaturation type 2A2. Last evaluated: 2018-01-13. Review status: criteria provided, single submitter. Criteria: ICSL Variant Classification Criteria 13 December 2019. Collection method: clinical testing. Allele origin: germline.

Breakthrough Genomics
Classification: Uncertain significance. Review status: criteria provided, single submitter. Criteria: ACMG Guidelines, 2015. Collection method: not provided. Allele origin: germline. Inheritance: Autosomal recessive inheritance. Affected: yes.

NM_004771.4(MMP20):c.883C>G (p.Leu295Val)

Gene: MMP20 (matrix metallopeptidase 20; minus strand). Cytogenetic location: 11q22.2.
Variant type: single nucleotide variant.
Coding change: c.883C>G on transcript NM_004771.4 (MANE Select); coding-DNA position 883, C replaced by G.
Protein change: p.Leu295Val; replaces leucine 295 with valine.
Molecular consequence: missense variant.
Genome position (GRCh38, 1-based): chr11:102,606,605, G>C on the plus strand (C>G on the coding strand, the complement: MMP20 is on the minus strand). VCF-style: chr11-102606605-G-C. GRCh37 (hg19) VCF-style: chr11-102477336-G-C.
Other names: short protein forms L295V.
Identifiers: ClinVar variation 301943 (VCV000301943.8), dbSNP rs146876571, ClinGen allele CA6248294.